The following is an entry in ClinVar:

ClinVar aggregate classification (germline): Conflicting classifications of pathogenicity. Review status: criteria provided, conflicting classifications (1 of 4 stars). 9 submissions from 9 submitters: Uncertain significance (4); Likely benign (4). 1 of the submissions does not count toward it. Last evaluated 2026-05-11.

Conditions:
Classic or attenuated familial adenomatous polyposis. Identifiers: MedGen CN372698, MONDO:0021057.
APC-related disorder. Also called: APC-related condition.
Familial adenomatous polyposis 1 (FAP1). Also called: FAMILIAL ADENOMATOUS POLYPOSIS 1, ATTENUATED; POLYPOSIS, ADENOMATOUS INTESTINAL. Identifiers: MedGen C2713442, MONDO:0021056, OMIM 175100. Disease mechanism: loss of function.
Gastric adenocarcinoma and proximal polyposis of the stomach (GAPPS). Also called: Gastric Adenocarcinoma and Proximal Polyposis of the Stomach (GAPPS); POLYPOSIS, GASTRIC; Polyposis, gastric, Dos Santos and de Magalhaes 1980. Identifiers: Orphanet 314022, MedGen C4749917, MONDO:0017790, OMIM 619182.
Colorectal cancer. Also called: Colorectal cancer, somatic; Malignant Colorectal Neoplasm. Identifiers: MedGen C0346629, MONDO:0005575, OMIM 114500.
Gastric cancer. Also called: Stomach cancer; Malignant tumor of stomach. Identifiers: MedGen C0024623, MeSH D013274, MONDO:0001056, OMIM 613659, HP:0012126.
Hepatocellular carcinoma (HCC). Also called: Primary carcinoma of liver; HEPATOMA; LIVER CELL CARCINOMA. Identifiers: Orphanet 88673, MedGen C2239176, MONDO:0007256, OMIM 114550, HP:0001402.
Desmoid disease, hereditary (DESMD). Also called: FIBROMATOSIS, FAMILIAL INFILTRATIVE. Identifiers: Orphanet 873, MedGen C1851124, OMIM 135290. Disease mechanism: loss of function.
Hereditary cancer-predisposing syndrome. Also called: Neoplastic Syndromes, Hereditary; Tumor predisposition; Hereditary Cancer Syndrome; Hereditary neoplastic syndrome. Identifiers: Orphanet 140162, MedGen C0027672, MeSH D009386, MONDO:0015356.

Allele frequency attached by ClinVar (database versions not stated): ExAC 0.00002; gnomAD 0.00002; gnomAD exomes 0.00002 and 0.00003; TOPMed 0.00005; ESP Exome Variant Server 0.00008.
gnomAD v4.1: 30 of 1,613,990 alleles (0.0019%); highest among the groups gnomAD compares: South Asian, 0.015%; no homozygotes.

Submissions (9):

PreventionGenetics, part of Exact Sciences
Classification: Uncertain significance for APC-related condition. Last evaluated: 2026-05-11. Review status: criteria provided, single submitter. Criteria: ACMG Guidelines, 2015. Collection method: clinical testing. Allele origin: germline.
Comment: The APC c.5147A>G variant is predicted to result in the amino acid substitution p.Asn1716Ser. To our knowledge, this variant has not been reported in the literature in association with APC-related conditions. This variant is reported in 0.012% of alleles in individuals of African descent in gnomAD. This variant has conflicting classifications in ClinVar, ranging from uncertain significance to likely benign (Variation ID: 411385) At this time, the clinical significance of this variant is uncertain due to the absence of conclusive functional and genetic evidence.

Labcorp Genetics (formerly Invitae), Labcorp
Classification: Likely benign for Familial adenomatous polyposis 1. Last evaluated: 2025-11-12. Review status: criteria provided, single submitter. Criteria: Invitae Variant Classification Sherloc (09022015). Collection method: clinical testing. Allele origin: germline.

Color Diagnostics, LLC DBA Color Health
Classification: Likely benign for Hereditary cancer-predisposing syndrome. Last evaluated: 2024-09-24. Review status: criteria provided, single submitter. Criteria: ACMG Guidelines, 2015. Collection method: clinical testing. Allele origin: germline.

Fulgent Genetics
Classification: Uncertain significance for Colorectal cancer; Hepatocellular carcinoma; Desmoid disease, hereditary; Familial adenomatous polyposis 1; Gastric cancer; Gastric adenocarcinoma and proximal polyposis of the stomach. Last evaluated: 2024-03-20. Review status: criteria provided, single submitter. Criteria: ACMG Guidelines, 2015. Collection method: clinical testing. Allele origin: germline.

All of Us Research Program, National Institutes of Health
Classification: Likely benign for Classic or attenuated familial adenomatous polyposis. Last evaluated: 2023-10-23. Review status: criteria provided, single submitter. Criteria: ACMG Guidelines, 2015. Collection method: clinical testing. Allele origin: germline. Inheritance: Autosomal dominant inheritance. Observed: 1 variant allele, 1 heterozygote.
Comment: This study involves interpretation of variants in research participants for the purpose of population health screening. Participant phenotype was not available at the time of variant classification. Additional details can be found in publication PMID: 35346344, PMCID: PMC8962531

Myriad Genetics, Inc.
Classification: Uncertain significance for Familial adenomatous polyposis 1. Last evaluated: 2023-02-14. Review status: criteria provided, single submitter. Criteria: Myriad Autosomal Dominant, Autosomal Recessive and X-Linked Classification Criteria (2023). Collection method: clinical testing. Allele origin: unknown.
Comment: This variant is classified as a variant of uncertain significance as there is insufficient evidence to determine its impact on protein function and/or cancer risk.

GeneDx
Classification: Uncertain significance. Last evaluated: 2019-10-11. Review status: criteria provided, single submitter. Criteria: GeneDx Variant Classification Process June 2021. Collection method: clinical testing. Allele origin: germline. Affected: yes.
Comment: In silico analysis, which includes protein predictors and evolutionary conservation, supports that this variant does not alter protein structure/function; Has not been previously published as pathogenic or benign to our knowledge

Ambry Genetics
Classification: Likely benign for Hereditary cancer-predisposing syndrome. Last evaluated: 2017-08-22. Review status: criteria provided, single submitter. Criteria: Ambry Variant Classification Scheme 2023. Collection method: clinical testing. Allele origin: germline.

Counsyl
Classification: Uncertain significance for Familial adenomatous polyposis 1. Last evaluated: 2017-07-24. Review status: no assertion criteria provided. Collection method: clinical testing. Allele origin: unknown. Not counted in ClinVar's aggregate classification.

NM_000038.6(APC):c.5147A>G (p.Asn1716Ser)

Gene: APC (APC regulator of Wnt signaling pathway; plus strand). Cytogenetic location: 5q22.2.
Variant type: single nucleotide variant.
Coding change: c.5147A>G on transcript NM_000038.6 (MANE Select); coding-DNA position 5147, A replaced by G.
Protein change: p.Asn1716Ser; replaces asparagine 1716 with serine.
Molecular consequence: missense variant.
Genome position (GRCh38, 1-based): chr5:112,840,741, A>G. VCF-style: chr5-112840741-A-G. GRCh37 (hg19) VCF-style: chr5-112176438-A-G.
Other names: c.5147A>G, p.Asn1716Ser (NM_001127510.3, NM_001354895.2); c.5093A>G, p.Asn1698Ser (NM_001127511.3); c.5201A>G, p.Asn1734Ser (NM_001354896.2); c.5177A>G, p.Asn1726Ser (NM_001354897.2); c.5072A>G, p.Asn1691Ser (NM_001354898.2); c.5063A>G, p.Asn1688Ser (NM_001354899.2); c.5024A>G, p.Asn1675Ser (NM_001354900.2); c.4970A>G, p.Asn1657Ser (NM_001354901.2); and 5 more; short protein forms N1716S, N1698S, N1590S, N1625S, N1691S, N1726S, N1556S, N1675S.
Identifiers: ClinVar variation 411385 (VCV000411385.28), dbSNP rs141298709, ClinGen allele CA040767.